The following is an entry in ClinVar:

NM_000186.4(CFH):c.2581A>G (p.Ile861Val)

Gene: CFH (complement factor H; plus strand). Cytogenetic location: 1q31.3.
Variant type: single nucleotide variant.
Coding change: c.2581A>G on transcript NM_000186.4 (MANE Select); coding-DNA position 2581, A replaced by G.
Protein change: p.Ile861Val; replaces isoleucine 861 with valine.
Molecular consequence: missense variant.
Genome position (GRCh38, 1-based): chr1:196,736,991, A>G. VCF-style: chr1-196736991-A-G. GRCh37 (hg19) VCF-style: chr1-196706121-A-G.
Other names: short protein forms I861V.
Identifiers: ClinVar variation 1377866 (VCV001377866.6), dbSNP rs1573076149, ClinGen allele CA343993171.
Genomic context (GRCh38, chr1:196,736,991, plus strand): 5'-GAAAATTATCTAATTCAGGAAGGAGAAGAAATTACATGCAAAGATGGAAGATGGCAGTCA[A>G]TACCACTCTGTGTTGGTCAGTAGTGTATAATTTGTTTTACATAATTCTTTCAAATGAGGT-3'
Protein context (NP_000177.2, residues 851-871): ITCKDGRWQS[Ile861Val]PLCVEKIPCS

ClinVar aggregate classification (germline): Uncertain significance (1 of 4 stars; one submission).

Allele frequency attached by ClinVar (database versions not stated): gnomAD exomes below 0.00001; TOPMed below 0.00001.
gnomAD v4.1: 2 of 1,610,238 alleles (0.00012%); highest among the groups gnomAD compares: East Asian, 0.0045%; no homozygotes.

Submission:

Labcorp Genetics (formerly Invitae), Labcorp
Classification: Uncertain significance. Last evaluated: 2021-08-27. Review status: criteria provided, single submitter. Criteria: Invitae Variant Classification Sherloc (09022015). Collection method: clinical testing. Allele origin: germline.
Comment: Algorithms developed to predict the effect of missense changes on protein structure and function output the following: SIFT: "Tolerated"; PolyPhen-2: "Benign"; Align-GVGD: "Class C0". The valine amino acid residue is found in multiple mammalian species, which suggests that this missense change does not adversely affect protein function. This variant has not been reported in the literature in individuals affected with CFH-related conditions. This variant is not present in population databases (ExAC no frequency). This sequence change replaces isoleucine with valine at codon 861 of the CFH protein (p.Ile861Val). The isoleucine residue is weakly conserved and there is a small physicochemical difference between isoleucine and valine. In summary, the available evidence is currently insufficient to determine the role of this variant in disease. Therefore, it has been classified as a Variant of Uncertain Significance.